The following is an entry in ClinVar:

NM_003242.6(TGFBR2):c.1525-8C>T

Gene: TGFBR2 (transforming growth factor beta receptor 2; plus strand). Cytogenetic location: 3p24.1.
Variant type: single nucleotide variant.
Coding change: c.1525-8C>T on transcript NM_003242.6 (MANE Select); 8 bases into the intron before coding-DNA position 1525, C replaced by T.
Molecular consequence: intron variant.
Genome position (GRCh38, 1-based): chr3:30,691,412, C>T. VCF-style: chr3-30691412-C-T. GRCh37 (hg19) VCF-style: chr3-30732904-C-T.
Other names: c.1528-8C>T (NM_001407129.1); c.1420-8C>T (NM_001407132.1, NM_001407136.1, NM_001407133.1 and 2 more transcripts); c.1708-8C>T (NM_001407126.1); c.1600-8C>T (NM_001024847.3); c.655-8C>T (NM_001407139.1); c.1240-8C>T (NM_001407137.1); c.1633-8C>T (NM_001407127.1); c.1522-8C>T (NM_001407130.1); and 2 more.
Identifiers: ClinVar variation 213910 (VCV000213910.42), dbSNP rs11466530, ClinGen allele CA047001.

ClinVar aggregate classification (germline): Benign/Likely benign. Review status: criteria provided, multiple submitters, no conflicts (2 of 4 stars). 8 submissions from 8 submitters: Benign (5); Likely benign (3). Last evaluated 2026-03-27.

Conditions:
Familial thoracic aortic aneurysm and aortic dissection (TAAD). Also called: Thoracic aortic aneurysms and dissections. Identifiers: Orphanet 91387, MedGen C4707243, MONDO:0019625.

Allele frequency attached by ClinVar (database versions not stated): gnomAD exomes 0.00021 and 0.00056; ExAC 0.00063; 1000 Genomes Project 30x 0.00078; 1000 Genomes Project 0.00100; gnomAD 0.00216 and 0.00230; TOPMed 0.00256; ESP Exome Variant Server 0.00269.
gnomAD v4.1: 663 of 1,613,836 alleles (0.041%); highest among the groups gnomAD compares: African/African-American, 0.76%; 4 homozygotes.

Submissions (8):

Molecular Diagnostic Laboratory for Inherited Cardiovascular Disease, Montreal Heart Institute
Classification: Likely benign. Last evaluated: 2026-03-27. Review status: criteria provided, single submitter. Criteria: ACMG Guidelines, 2015. Collection method: clinical testing. Allele origin: germline. Affected: no.
Comment: BS1

Labcorp Genetics (formerly Invitae), Labcorp
Classification: Benign for Familial thoracic aortic aneurysm and aortic dissection. Last evaluated: 2026-01-27. Review status: criteria provided, single submitter. Criteria: Invitae Variant Classification Sherloc (09022015). Collection method: clinical testing. Allele origin: germline.

CeGaT Center for Human Genetics Tuebingen
Classification: Likely benign. Last evaluated: 2024-12-01. Review status: criteria provided, single submitter. Criteria: CeGaT Center For Human Genetics Tuebingen Variant Classification Criteria Version 2. Collection method: clinical testing. Allele origin: germline. Affected: yes. Observed: 1 variant allele.
Comment: TGFBR2: BP4, BS1

Blueprint Genetics
Classification: Likely benign. Last evaluated: 2024-11-26. Review status: criteria provided, single submitter. Criteria: ACMG Guidelines, 2015. Collection method: clinical testing. Allele origin: germline.

ARUP Laboratories, Molecular Genetics and Genomics, ARUP Laboratories
Classification: Benign. Last evaluated: 2019-11-09. Review status: criteria provided, single submitter. Criteria: ARUP Molecular Germline Variant Investigation Process. Collection method: clinical testing. Allele origin: germline.

Color Diagnostics, LLC DBA Color Health
Classification: Benign for Familial thoracic aortic aneurysm and aortic dissection. Last evaluated: 2018-11-16. Review status: criteria provided, single submitter. Criteria: ACMG Guidelines, 2015. Collection method: clinical testing. Allele origin: germline.

Eurofins Ntd Llc (ga)
Classification: Benign. Last evaluated: 2017-07-26. Review status: criteria provided, single submitter. Criteria: EGL Classification Definitions 2015. Collection method: clinical testing. Allele origin: germline. Observed: 1 variant allele, 1 heterozygote.

GeneDx
Classification: Benign. Last evaluated: 2014-08-22. Review status: criteria provided, single submitter. Criteria: GeneDx Variant Classification (06012015). Collection method: clinical testing. Allele origin: germline. Affected: yes.
Comment: This variant is considered likely benign or benign based on one or more of the following criteria: it is a conservative change, it occurs at a poorly conserved position in the protein, it is predicted to be benign by multiple in silico algorithms, and/or has population frequency not consistent with disease.